The following is an entry in ClinVar:

NM_016373.4(WWOX):c.516+7G>T

Gene: WWOX (WW domain containing oxidoreductase; plus strand). Cytogenetic location: 16q23.1.
Variant type: single nucleotide variant.
Coding change: c.516+7G>T on transcript NM_016373.4 (MANE Select); 7 bases into the intron after coding-DNA position 516, G replaced by T.
Molecular consequence: intron variant.
Genome position (GRCh38, 1-based): chr16:78,164,296, G>T. VCF-style: chr16-78164296-G-T. GRCh37 (hg19) VCF-style: chr16-78198193-G-T.
Other names: c.177+7G>T (NM_001291997.2); c.516+7G>T (NM_130791.5).
Identifiers: ClinVar variation 510936 (VCV000510936.1), dbSNP rs769717758, ClinGen allele CA658798637.

ClinVar aggregate classification (germline): Likely benign (1 of 4 stars; one submission).

gnomAD v4.1: 10 of 1,612,718 alleles (0.00062%); highest among the groups gnomAD compares: Non-Finnish European, 0.00085%; no homozygotes.

Submission:

GeneDx
Classification: Likely benign. Last evaluated: 2017-07-21. Review status: criteria provided, single submitter. Criteria: GeneDx Variant Classification (06012015). Collection method: clinical testing. Allele origin: germline. Affected: yes.
Comment: This variant is considered likely benign or benign based on one or more of the following criteria: it is a conservative change, it occurs at a poorly conserved position in the protein, it is predicted to be benign by multiple in silico algorithms, and/or has population frequency not consistent with disease.